The following is an entry in ClinVar:

ClinVar aggregate classification (germline): Likely benign. Review status: criteria provided, multiple submitters, no conflicts (2 of 4 stars). 2 submissions from 2 submitters: Likely benign (2). Last evaluated 2025-02-23.

Conditions:
Cardiovascular phenotype. Identifiers: MedGen CN230736.

Submissions (2):

Women's Health and Genetics/Laboratory Corporation of America, LabCorp
Classification: Likely benign. Last evaluated: 2025-02-23. Review status: criteria provided, single submitter. Criteria: LabCorp Variant Classification Summary - May 2015. Collection method: clinical testing. Allele origin: germline.
Comment: Variant summary: RAF1 c.246T>C alters a conserved nucleotide resulting in a synonymous change. Consensus agreement among computation tools predict no significant impact on normal splicing. However, these predictions have yet to be confirmed by functional studies. The variant was absent in 251492 control chromosomes. The available data on variant occurrences in the general population are insufficient to allow any conclusion about variant significance. To our knowledge, no occurrence of c.246T>C in individuals affected with Noonan Syndrome and no experimental evidence demonstrating its impact on protein function have been reported. ClinVar contains an entry for this variant (Variation ID: 3429945). Based on the evidence outlined above, the variant was classified as likely benign.

Ambry Genetics
Classification: Likely benign for Cardiovascular phenotype. Last evaluated: 2024-10-28. Review status: criteria provided, single submitter. Criteria: Ambry Variant Classification Scheme 2023. Collection method: clinical testing. Allele origin: germline.

NM_002880.4(RAF1):c.246T>C (p.Leu82=)

Gene: RAF1 (Raf-1 proto-oncogene, serine/threonine kinase; minus strand). Cytogenetic location: 3p25.2.
Variant type: single nucleotide variant.
Coding change: c.246T>C on transcript NM_002880.4 (MANE Select); coding-DNA position 246, T replaced by C.
Protein change: p.Leu82=; no amino-acid change (leucine 82 retained).
Molecular consequence: synonymous variant. On other transcripts: non-coding transcript variant (3), intron variant (4).
Genome position (GRCh38, 1-based): chr3:12,612,024, A>G on the plus strand (T>C on the coding strand, the complement: RAF1 is on the minus strand). VCF-style: chr3-12612024-A-G. GRCh37 (hg19) VCF-style: chr3-12653523-A-G.
Other names: c.246T>C, p.Leu82= (NM_001354689.3, NM_001354690.3, NM_001354693.3); c.78-2689T>C (NM_001354695.3, NM_001354692.3, NM_001354694.3 and 1 more transcripts).
Identifiers: ClinVar variation 3429945 (VCV003429945.2).